The following is an entry in ClinVar:

ClinVar aggregate classification (germline): Uncertain significance (1 of 4 stars; one submission).

Allele frequency attached by ClinVar (database versions not stated): gnomAD exomes below 0.00001; TOPMed 0.00001; ExAC 0.00001; gnomAD 0.00001; ESP Exome Variant Server 0.00008.
gnomAD v4.1: 7 of 1,613,594 alleles (0.00043%); highest among the groups gnomAD compares: Non-Finnish European, 0.00051%; no homozygotes.

Submission:

Labcorp Genetics (formerly Invitae), Labcorp
Classification: Uncertain significance. Last evaluated: 2025-08-26. Review status: criteria provided, single submitter. Criteria: Invitae Variant Classification Sherloc (09022015). Collection method: clinical testing. Allele origin: germline.
Comment: This sequence change replaces methionine, which is neutral and non-polar, with valine, which is neutral and non-polar, at codon 455 of the DSG1 protein (p.Met455Val). This variant is present in population databases (rs367878087, gnomAD 0.0009%). This variant has not been reported in the literature in individuals affected with DSG1-related conditions. ClinVar contains an entry for this variant (Variation ID: 1954998). Invitae Evidence Modeling of protein sequence and biophysical properties (such as structural, functional, and spatial information, amino acid conservation, physicochemical variation, residue mobility, and thermodynamic stability) indicates that this missense variant is not expected to disrupt DSG1 protein function with a negative predictive value of 80%. In summary, the available evidence is currently insufficient to determine the role of this variant in disease. Therefore, it has been classified as a Variant of Uncertain Significance.

NM_001942.4(DSG1):c.1363A>G (p.Met455Val)

Gene: DSG1 (desmoglein 1; plus strand). Cytogenetic location: 18q12.1.
Variant type: single nucleotide variant.
Coding change: c.1363A>G on transcript NM_001942.4 (MANE Select); coding-DNA position 1363, A replaced by G.
Protein change: p.Met455Val; replaces methionine 455 with valine.
Molecular consequence: missense variant.
Genome position (GRCh38, 1-based): chr18:31,338,412, A>G. VCF-style: chr18-31338412-A-G. GRCh37 (hg19) VCF-style: chr18-28918375-A-G.
Other names: short protein forms M455V.
Identifiers: ClinVar variation 1954998 (VCV001954998.5), dbSNP rs367878087, ClinGen allele CA8926066.